The following is an entry in ClinVar:

NM_206926.2(SELENON):c.1180-3C>G

Gene: SELENON (selenoprotein N; plus strand). Cytogenetic location: 1p36.11.
Variant type: single nucleotide variant.
Coding change: c.1180-3C>G on transcript NM_206926.2 (MANE Select); 3 bases into the intron before coding-DNA position 1180, C replaced by G.
Molecular consequence: intron variant.
Genome position (GRCh38, 1-based): chr1:25,812,684, C>G. VCF-style: chr1-25812684-C-G. GRCh37 (hg19) VCF-style: chr1-26139175-C-G.
Other names: c.1282-3C>G (NM_020451.3).
Identifiers: ClinVar variation 935201 (VCV000935201.10), dbSNP rs1040390429, ClinGen allele CA1139656025.

ClinVar aggregate classification (germline): Uncertain significance (1 of 4 stars; one submission).

Conditions:
Eichsfeld type congenital muscular dystrophy (CMYO3). Also called: MYOPATHY, SEPN1-RELATED; Rigid spine muscular dystrophy 1; SELENON-related myopathy; Congenital myopathy 3 with rigid spine. Identifiers: MedGen C0410180, MONDO:0100100, OMIM 602771.

Submission:

Labcorp Genetics (formerly Invitae), Labcorp
Classification: Uncertain significance for Eichsfeld type congenital muscular dystrophy. Last evaluated: 2022-06-04. Review status: criteria provided, single submitter. Criteria: Invitae Variant Classification Sherloc (09022015). Collection method: clinical testing. Allele origin: germline.
Comment: This variant has not been reported in the literature in individuals affected with SELENON-related conditions. In summary, the available evidence is currently insufficient to determine the role of this variant in disease. Therefore, it has been classified as a Variant of Uncertain Significance. Variants that disrupt the consensus splice site are a relatively common cause of aberrant splicing (PMID: 17576681, 9536098). Algorithms developed to predict the effect of sequence changes on RNA splicing suggest that this variant may disrupt the consensus splice site. ClinVar contains an entry for this variant (Variation ID: 935201). This variant is not present in population databases (gnomAD no frequency). This sequence change falls in intron 9 of the SELENON gene. It does not directly change the encoded amino acid sequence of the SELENON protein. It affects a nucleotide within the consensus splice site.

Literature cited by the submitters: PubMed 17576681; PubMed 9536098.